The following is an entry in ClinVar:

NM_006005.3(WFS1):c.2419AGC[1] (p.Ser808del)

Gene: WFS1 (wolframin ER transmembrane glycoprotein; plus strand). Cytogenetic location: 4p16.1.
Variant type: Microsatellite.
Coding change: c.2419AGC[1] on transcript NM_006005.3 (MANE Select); one copy of the 3-base unit AGC starting at c.2419; the reference has two copies in a row; one copy, 3 bases deleted; also written c.2422_2424del.
Protein change: p.Ser808del; deletes serine 808.
Molecular consequence: inframe deletion.
Genome position (GRCh38, 1-based): chr4:6,302,217-6,302,219, AGC deleted; deleting any 3 consecutive bases within chr4:6,302,213-6,302,219 gives the same sequence; the position shown is the placement nearest the transcript's 3' end. VCF-style (leftmost placement, unchanged base first): chr4-6302212-CCAG-C. GRCh37 (hg19) VCF-style: chr4-6303939-CCAG-C.
Other names: c.2419AGC[1], p.Ser808del (NM_001145853.1); c.2422_2424del (NM_006005.3); short protein forms S808del.
Identifiers: ClinVar variation 4857409 (VCV004857409.1).
Genomic context (GRCh38, chr4:6,302,212, plus strand): 5'-GCGCTGACGGCTCGCGCAGCCGCGAGGAGGACGACGTCACCAAGGACATCGTGCTGCGGG[CCAG>C]CAGCGAGTTCAAGAGCGTGCTGCTCAGCCTGCGCCAGGGCAGCCTCATCGAGTTCAGCAC-3'

ClinVar aggregate classification (germline): Uncertain significance (1 of 4 stars; one submission).

Conditions:
Autosomal dominant nonsyndromic hearing loss 6 (LFSNHL). Also called: DEAFNESS, AUTOSOMAL DOMINANT 6; DEAFNESS, AUTOSOMAL DOMINANT 14; DEAFNESS, AUTOSOMAL DOMINANT 38; Autosomal dominant nonsyndromic deafness 6. Identifiers: Orphanet 90635, MedGen C1833021, MONDO:0010963, OMIM 600965.

Submission:

Precision Medicine Center, Zhengzhou University
Classification: Uncertain significance for Autosomal dominant nonsyndromic hearing loss 6. Last evaluated: 2006-06-30. Review status: criteria provided, single submitter. Criteria: ClinGen HL ACMG Specifications v1. Collection method: clinical testing. Allele origin: paternal. Affected: yes.
Comment: PM2+PM4+PP4:The WFS1 c.2422_2424del variant is an in-frame deletion predicted to result in the deletion of a single amino acid from the WFS1 protein (PM4). This variant is absent or extremely rare in population databases, including gnomAD, supporting its rarity in the general population (PM2). In addition, the variant was identified in an individual with a phenotype highly specific for WFS1-related disease, including clinical features consistent with WFS1-associated hearing loss (PP4). Although the variant is rare and consistent with the observed phenotype, there are currently no functional studies, segregation data, or sufficient independent observations to demonstrate pathogenicity. According to the ACMG/AMP guidelines, this variant meets the criteria PM2, PM4, and PP4 and is therefore classified as a Variant of Uncertain Significance (VUS).